The following is an entry in ClinVar:

ClinVar aggregate classification (germline): Uncertain significance. Review status: criteria provided, multiple submitters, no conflicts (2 of 4 stars). 2 submissions from 2 submitters: Uncertain significance (2). Last evaluated 2024-07-16.

Conditions:
Inborn genetic diseases. Identifiers: MedGen C0950123, MeSH D030342.

Allele frequency attached by ClinVar (database versions not stated): TOPMed below 0.00001; gnomAD 0.00001.
gnomAD v4.1: 1 of 1,613,704 alleles (0.000062%); highest among the groups gnomAD compares: Admixed American, 0.0017%; no homozygotes.

Submissions (2):

Ambry Genetics
Classification: Uncertain significance for Inborn genetic diseases. Last evaluated: 2024-07-16. Review status: criteria provided, single submitter. Criteria: Ambry Variant Classification Scheme 2023. Collection method: clinical testing. Allele origin: germline.

Labcorp Genetics (formerly Invitae), Labcorp
Classification: Uncertain significance. Last evaluated: 2022-10-24. Review status: criteria provided, single submitter. Criteria: Invitae Variant Classification Sherloc (09022015). Collection method: clinical testing. Allele origin: germline.
Comment: This sequence change replaces isoleucine, which is neutral and non-polar, with valine, which is neutral and non-polar, at codon 1495 of the MPDZ protein (p.Ile1495Val). This variant is not present in population databases (gnomAD no frequency). This variant has not been reported in the literature in individuals affected with MPDZ-related conditions. ClinVar contains an entry for this variant (Variation ID: 1409752). Algorithms developed to predict the effect of missense changes on protein structure and function (SIFT, PolyPhen-2, Align-GVGD) all suggest that this variant is likely to be disruptive. In summary, the available evidence is currently insufficient to determine the role of this variant in disease. Therefore, it has been classified as a Variant of Uncertain Significance.

NM_001378778.1(MPDZ):c.4483A>G (p.Ile1495Val)

Gene: MPDZ (multiple PDZ domain crumbs cell polarity complex component; minus strand). Cytogenetic location: 9p23.
Variant type: single nucleotide variant.
Coding change: c.4483A>G on transcript NM_001378778.1 (MANE Select); coding-DNA position 4483, A replaced by G.
Protein change: p.Ile1495Val; replaces isoleucine 1495 with valine.
Molecular consequence: missense variant.
Genome position (GRCh38, 1-based): chr9:13,126,754, T>C on the plus strand (A>G on the coding strand, the complement: MPDZ is on the minus strand). VCF-style: chr9-13126754-T-C. GRCh37 (hg19) VCF-style: chr9-13126753-T-C.
Other names: c.4483A>G (NM_003829.3); c.4384A>G, p.Ile1462Val (NM_001261406.2, NM_001261407.2, NM_001375416.1 and 3 more transcripts); c.4483A>G, p.Ile1495Val (NM_001330637.2, NM_003829.5); c.4582A>G, p.Ile1528Val (NM_001375413.1); c.4273A>G, p.Ile1425Val (NM_001375420.1, NM_001375421.1, NM_001375422.1 and 4 more transcripts); c.4075A>G, p.Ile1359Val (NM_001375427.1); short protein forms I1495V, I1462V, I1528V, I1359V, I1425V.
Identifiers: ClinVar variation 1409752 (VCV001409752.7), dbSNP rs1020686334, ClinGen allele CA189284686.